The following is an entry in ClinVar:

NM_006269.2(RP1):c.429del (p.Val144fs)

Gene: RP1 (RP1 axonemal microtubule associated; plus strand). Cytogenetic location: 8q12.1.
Variant type: Deletion.
Coding change: c.429del on transcript NM_006269.2 (MANE Select); coding-DNA position 429, one base deleted (C; older notation c.429delC).
Protein change: p.Val144fs; shifts the reading frame from valine 144.
Molecular consequence: frameshift variant.
Genome position (GRCh38, 1-based): chr8:54,621,395, C deleted; the last of 2 consecutive C bases (chr8:54,621,394-54,621,395); deleting either gives the same sequence. VCF-style (leftmost placement, unchanged base first): chr8-54621393-GC-G. GRCh37 (hg19) VCF-style: chr8-55533953-GC-G.
Other names: c.429del, p.Val144fs (NM_001375654.1); short protein forms V144fs.
Identifiers: ClinVar variation 970009 (VCV000970009.9), dbSNP rs1805867082, ClinGen allele CA1139660528.
Genomic context (GRCh38, chr8:54,621,393, plus strand): 5'-CGCCCGCGGCCCTGGCTCAGCAGCCGGGCCATTAGCGCGCACTCACCGCCCCACCCCGTA[GC>G]CGTCGCTGCTCCCGGCATGCCCCGCCCCCCACGGAGCCTAGTGGTCTTCAGGAATGGCGA-3'

ClinVar aggregate classification (germline): Pathogenic (1 of 4 stars; one submission).

Submission:

Labcorp Genetics (formerly Invitae), Labcorp
Classification: Pathogenic. Last evaluated: 2022-11-29. Review status: criteria provided, single submitter. Criteria: Invitae Variant Classification Sherloc (09022015). Collection method: clinical testing. Allele origin: germline.
Comment: For these reasons, this variant has been classified as Pathogenic. ClinVar contains an entry for this variant (Variation ID: 970009). This premature translational stop signal has been observed in individual(s) with clinical features of autosomal recessive retinitis pigmentosa (Invitae). This variant is not present in population databases (gnomAD no frequency). This sequence change creates a premature translational stop signal (p.Val144Serfs*13) in the RP1 gene. It is expected to result in an absent or disrupted protein product. Loss-of-function variants in RP1 are known to be pathogenic (PMID: 11960024, 19933189).

Literature cited by the submitters: PubMed 11960024; PubMed 19933189.